The following is an entry in ClinVar:

ClinVar aggregate classification (germline): Uncertain significance (1 of 4 stars; one submission).

Conditions:
Progressive external ophthalmoplegia with mitochondrial DNA deletions, autosomal dominant 3. Also called: PROGRESSIVE EXTERNAL OPHTHALMOPLEGIA, AUTOSOMAL DOMINANT 3. Identifiers: MedGen C1836439, MONDO:0012241, OMIM 609286.

gnomAD v4.1: 1 of 1,614,234 alleles (0.000062%); highest among the groups gnomAD compares: Non-Finnish European, 0.000085%; no homozygotes.

Submission:

3billion
Classification: Uncertain significance for Progressive external ophthalmoplegia with mitochondrial DNA deletions, autosomal dominant 3. Last evaluated: 2025-07-30. Review status: criteria provided, single submitter. Criteria: ACMG Guidelines, 2015. Collection method: clinical testing. Allele origin: germline. Affected: yes.
Comment: The variant is observed at an extremely low frequency in the gnomAD v4.1.0 dataset (total allele frequency: <0.001%). Predicted Consequence/Location: Missense variant In silico tool predictions suggest damaging effect of the variant on gene or gene product [REVEL: 0.70 (>=0.6, sensitivity 0.68 and specificity 0.92); 3Cnet: 0.93 (> 0.75, sensitivity 0.96 and precision 0.92)]. The same nucleotide change resulting in the same amino acid change has been previously reported to be associated with TWNK-related disorder (PMID: 18575922). However, the evidence of pathogenicity is insufficient at this time. Therefore, this variant is classified as VUS according to the recommendation of ACMG/AMP guideline.

Literature cited by the submitters: PubMed 18575922.

NM_021830.5(TWNK):c.1277G>A (p.Ser426Asn)

Gene: TWNK (twinkle mtDNA helicase; plus strand). Cytogenetic location: 10q24.31.
Variant type: single nucleotide variant.
Coding change: c.1277G>A on transcript NM_021830.5 (MANE Select); coding-DNA position 1277, G replaced by A.
Protein change: p.Ser426Asn; replaces serine 426 with asparagine.
Molecular consequence: missense variant. On other transcripts: 5 prime UTR variant (2), non-coding transcript variant (2), intron variant (1).
Genome position (GRCh38, 1-based): chr10:100,989,677, G>A. VCF-style: chr10-100989677-G-A. GRCh37 (hg19) VCF-style: chr10-102749434-G-A.
Other names: c.1277G>A, p.Ser426Asn (NM_001163812.2); c.-86G>A (NM_001163813.2, NM_001163814.2); c.-57-29G>A (NM_001368275.1); short protein forms S426N.
Identifiers: ClinVar variation 4855767 (VCV004855767.1).